The following is an entry in ClinVar:

NM_006904.7(PRKDC):c.509-4T>A

Gene: PRKDC (protein kinase, DNA-activated, catalytic subunit; minus strand). Cytogenetic location: 8q11.21.
Variant type: single nucleotide variant.
Coding change: c.509-4T>A on transcript NM_006904.7 (MANE Select); 4 bases into the intron before coding-DNA position 509, T replaced by A.
Molecular consequence: intron variant.
Genome position (GRCh38, 1-based): chr8:47,953,923, A>T on the plus strand (T>A on the coding strand, the complement: PRKDC is on the minus strand). VCF-style: chr8-47953923-A-T. GRCh37 (hg19) VCF-style: chr8-48866483-A-T.
Other names: c.509-4T>A (NM_001081640.2).
Identifiers: ClinVar variation 790912 (VCV000790912.16), dbSNP rs200774352, ClinGen allele CA4741995.

ClinVar aggregate classification (germline): Benign/Likely benign. Review status: criteria provided, multiple submitters, no conflicts (2 of 4 stars). 3 submissions from 3 submitters: Benign (1); Likely benign (2). Last evaluated 2026-03-01.

Conditions:
Severe combined immunodeficiency due to DNA-PKcs deficiency. Also called: IMMUNODEFICIENCY 26 WITH NEUROLOGIC ABNORMALITIES; Immunodeficiency 26 with or without neurologic abnormalities. Identifiers: Orphanet 317425, MedGen C4014833, MONDO:0014423, OMIM 615966.

Allele frequency attached by ClinVar (database versions not stated): 1000 Genomes Project 30x 0.00016; 1000 Genomes Project 0.00020; TOPMed 0.00024; gnomAD 0.00029.
gnomAD v4.1: 525 of 1,512,106 alleles (0.035%); highest among the groups gnomAD compares: South Asian, 0.11%; 5 homozygotes.

Submissions (3):

CeGaT Center for Human Genetics Tuebingen
Classification: Likely benign. Last evaluated: 2026-03-01. Review status: criteria provided, single submitter. Criteria: CeGaT Center For Human Genetics Tuebingen Variant Classification Criteria Version 2. Collection method: clinical testing. Allele origin: germline. Affected: yes. Observed: 1 variant allele.
Comment: PRKDC: BP4, BS1

Labcorp Genetics (formerly Invitae), Labcorp
Classification: Benign for Severe combined immunodeficiency due to DNA-PKcs deficiency. Last evaluated: 2026-02-04. Review status: criteria provided, single submitter. Criteria: Invitae Variant Classification Sherloc (09022015). Collection method: clinical testing. Allele origin: germline.

Blueprint Genetics
Classification: Likely benign. Last evaluated: 2024-11-06. Review status: criteria provided, single submitter. Criteria: ACMG Guidelines, 2015. Collection method: clinical testing. Allele origin: germline.